The following is an entry in ClinVar:

NM_004380.3(CREBBP):c.3191A>G (p.Glu1064Gly)

Gene: CREBBP (CREB binding lysine acetyltransferase; minus strand). Cytogenetic location: 16p13.3.
Variant type: single nucleotide variant.
Coding change: c.3191A>G on transcript NM_004380.3 (MANE Select); coding-DNA position 3191, A replaced by G.
Protein change: p.Glu1064Gly; replaces glutamic acid 1064 with glycine.
Molecular consequence: missense variant.
Genome position (GRCh38, 1-based): chr16:3,767,779, T>C on the plus strand (A>G on the coding strand, the complement: CREBBP is on the minus strand). VCF-style: chr16-3767779-T-C. GRCh37 (hg19) VCF-style: chr16-3817780-T-C.
Other names: c.3077A>G, p.Glu1026Gly (NM_001079846.1); short protein forms E1026G, E1064G.
Identifiers: ClinVar variation 4996938 (VCV004996938.1).

ClinVar aggregate classification (germline): Uncertain significance (1 of 4 stars; one submission).

Conditions:
CREBBP-related disorder. Also called: CREBBP-related condition; CREBBP-related disorders.

gnomAD v4.1: 6 of 1,614,250 alleles (0.00037%); highest among the groups gnomAD compares: Non-Finnish European, 0.00051%; no homozygotes.

Submission:

PreventionGenetics, part of Exact Sciences
Classification: Uncertain significance for CREBBP-related condition. Last evaluated: 2025-04-25. Review status: criteria provided, single submitter. Criteria: ACMG Guidelines, 2015. Collection method: clinical testing. Allele origin: germline.
Comment: The CREBBP c.3191A>G variant is predicted to result in the amino acid substitution p.Glu1064Gly. To our knowledge, this variant has not been reported in the literature or in a large population database (gnomAD), indicating this variant is rare. At this time, the clinical significance of this variant is uncertain due to the absence of conclusive functional and genetic evidence.